The following is an entry in ClinVar:

NM_020433.5(JPH2):c.1862A>G (p.Lys621Arg)

Gene: JPH2 (junctophilin 2; minus strand). Cytogenetic location: 20q13.12.
Variant type: single nucleotide variant.
Coding change: c.1862A>G on transcript NM_020433.5 (MANE Select); coding-DNA position 1862, A replaced by G.
Protein change: p.Lys621Arg; replaces lysine 621 with arginine.
Molecular consequence: missense variant.
Genome position (GRCh38, 1-based): chr20:44,115,813, T>C on the plus strand (A>G on the coding strand, the complement: JPH2 is on the minus strand). VCF-style: chr20-44115813-T-C. GRCh37 (hg19) VCF-style: chr20-42744453-T-C.
Other names: short protein forms K621R.
Identifiers: ClinVar variation 1507230 (VCV001507230.6), dbSNP rs2072184846, ClinGen allele CA409099797.

ClinVar aggregate classification (germline): Uncertain significance (1 of 4 stars; one submission).

Conditions:
Hypertrophic cardiomyopathy. Also called: HYPERTROPHIC MYOCARDIOPATHY. Identifiers: Orphanet 217569, MedGen C0007194, MeSH D002312, MONDO:0005045, HP:0001639.

Allele frequency attached by ClinVar (database versions not stated): gnomAD exomes below 0.00001; TOPMed below 0.00001; gnomAD 0.00001.
gnomAD v4.1: 5 of 1,604,236 alleles (0.00031%); highest among the groups gnomAD compares: Admixed American, 0.0017%; no homozygotes.

Submission:

Labcorp Genetics (formerly Invitae), Labcorp
Classification: Uncertain significance for Hypertrophic cardiomyopathy. Last evaluated: 2021-11-29. Review status: criteria provided, single submitter. Criteria: Invitae Variant Classification Sherloc (09022015). Collection method: clinical testing. Allele origin: germline.
Comment: This variant is not present in population databases (gnomAD no frequency). This sequence change replaces lysine, which is basic and polar, with arginine, which is basic and polar, at codon 621 of the JPH2 protein (p.Lys621Arg). This variant has not been reported in the literature in individuals affected with JPH2-related conditions. In summary, the available evidence is currently insufficient to determine the role of this variant in disease. Therefore, it has been classified as a Variant of Uncertain Significance. Algorithms developed to predict the effect of missense changes on protein structure and function (SIFT, PolyPhen-2, Align-GVGD) all suggest that this variant is likely to be tolerated.